The following is an entry in ClinVar:

ClinVar aggregate classification (germline): Uncertain significance (1 of 4 stars; one submission).

Submission:

GeneDx
Classification: Uncertain significance. Last evaluated: 2026-09-08. Review status: criteria provided, single submitter. Criteria: GeneDx Variant Classification Process June 2021. Collection method: clinical testing. Allele origin: germline.
Comment: Not observed at significant frequency in large population cohorts (gnomAD); In silico analysis supports that this missense variant has a deleterious effect on protein structure/function; Has not been previously published as pathogenic or benign to our knowledge

NM_001385012.1(NBEA):c.1832A>C (p.Lys611Thr)

Gene: NBEA (neurobeachin; plus strand). Cytogenetic location: 13q13.3.
Variant type: single nucleotide variant.
Coding change: c.1832A>C on transcript NM_001385012.1 (MANE Select); coding-DNA position 1832, A replaced by C.
Protein change: p.Lys611Thr; replaces lysine 611 with threonine.
Molecular consequence: missense variant.
Genome position (GRCh38, 1-based): chr13:35,109,441, A>C. VCF-style: chr13-35109441-A-C. GRCh37 (hg19) VCF-style: chr13-35683578-A-C.
Other names: c.1832A>C, p.Lys611Thr (NM_001379245.1, NM_015678.5); short protein forms K611T.
Identifiers: ClinVar variation 2576691 (VCV002576691.2), dbSNP rs767636645, ClinGen allele CA387830952.
Genomic context (GRCh38, chr13:35,109,441, plus strand): 5'-TGAAGCAGCTTTGTGATCACATTTTATTTAACCCAGCCATCTGGATACATACACCTGCAA[A>C]GGTATGAATTTTATACTTATTCAGTTTGATTTAGTGTAATGTTATACATTATAGTTGCTG-3'
Protein context (NP_001371941.1, residues 601-621): NPAIWIHTPA[Lys611Thr]VQLSLYTYLS